The following is an entry in ClinVar:

NM_001128840.3(CACNA1D):c.380C>T (p.Pro127Leu)

Gene: CACNA1D (calcium voltage-gated channel subunit alpha1 D; plus strand). Cytogenetic location: 3p21.1.
Variant type: single nucleotide variant.
Coding change: c.380C>T on transcript NM_001128840.3 (MANE Select); coding-DNA position 380, C replaced by T.
Protein change: p.Pro127Leu; replaces proline 127 with leucine.
Molecular consequence: missense variant.
Genome position (GRCh38, 1-based): chr3:53,501,617, C>T. VCF-style: chr3-53501617-C-T. GRCh37 (hg19) VCF-style: chr3-53535644-C-T.
Other names: c.380C>T, p.Pro127Leu (NM_000720.4, NM_001128839.3); short protein forms P127L.
Identifiers: ClinVar variation 2877559 (VCV002877559.3), dbSNP rs2471540472, ClinGen allele CA353382535.

ClinVar aggregate classification (germline): Uncertain significance (1 of 4 stars; one submission).

Submission:

Labcorp Genetics (formerly Invitae), Labcorp
Classification: Uncertain significance. Last evaluated: 2023-04-27. Review status: criteria provided, single submitter. Criteria: Invitae Variant Classification Sherloc (09022015). Collection method: clinical testing. Allele origin: germline.
Comment: In summary, the available evidence is currently insufficient to determine the role of this variant in disease. Therefore, it has been classified as a Variant of Uncertain Significance. An algorithm developed to predict the effect of missense changes on protein structure and function (PolyPhen-2) suggests that this variant is likely to be disruptive. This variant has not been reported in the literature in individuals affected with CACNA1D-related conditions. This variant is not present in population databases (gnomAD no frequency). This sequence change replaces proline, which is neutral and non-polar, with leucine, which is neutral and non-polar, at codon 127 of the CACNA1D protein (p.Pro127Leu).